The following is an entry in ClinVar:

NM_000092.5(COL4A4):c.2029G>A (p.Gly677Ser)

Gene: COL4A4 (collagen type IV alpha 4 chain; minus strand). Cytogenetic location: 2q36.3.
Variant type: single nucleotide variant.
Coding change: c.2029G>A on transcript NM_000092.5 (MANE Select); coding-DNA position 2029, G replaced by A.
Protein change: p.Gly677Ser; replaces glycine 677 with serine.
Molecular consequence: missense variant.
Genome position (GRCh38, 1-based): chr2:227,062,557, C>T on the plus strand (G>A on the coding strand, the complement: COL4A4 is on the minus strand). VCF-style: chr2-227062557-C-T. GRCh37 (hg19) VCF-style: chr2-227927273-C-T.
Other names: c.2029G>A (NM_000092.4); short protein forms G677S.
Identifiers: ClinVar variation 1456812 (VCV001456812.8), dbSNP rs1977400475, ClinGen allele CA350842545.

ClinVar aggregate classification (germline): Pathogenic/Likely pathogenic. Review status: criteria provided, multiple submitters, no conflicts (2 of 4 stars). 3 submissions from 3 submitters: Pathogenic (1); Likely pathogenic (2). Last evaluated 2025-09-04.

Conditions:
Alport syndrome. Also called: Hemorrhagic familial nephritis; Hemorrhagic hereditary nephritis; Congenital hereditary hematuria. Identifiers: Orphanet 63, MedGen C1567741, MONDO:0018965.
Autosomal recessive Alport syndrome (ATS2). Also called: COL4A4 Alport Syndrome and Thin Basement Membrane Nephropathy; COL4A3-Related Nephropathy; Alport syndrome type 2; ALPORT SYNDROME 2, AUTOSOMAL RECESSIVE. Identifiers: Orphanet 63, Orphanet 88919, MedGen C4746745, MONDO:0008762, OMIM 203780.
Hematuria, benign familial, 1 (BFH1). Also called: THIN MEMBRANE NEPHROPATHY. Identifiers: MedGen CN376803, MONDO:0007709, OMIM 141200.

Allele frequency attached by ClinVar (database versions not stated): TOPMed below 0.00001.

Submissions (3):

Natera, Inc.
Classification: Likely pathogenic for Alport syndrome. Last evaluated: 2025-09-04. Review status: criteria provided, single submitter. Criteria: Natera Variant Classification Schema (03/2026). Collection method: clinical testing. Allele origin: germline.
Comment: The c.2029G>A variant in COL4A4 is a missense variant predicted to cause substitution of glycine to serine at amino acid 677. This variant is rare in the general population with a frequency below the threshold expected for the associated phenotype(s). This variant is located in a functionally critical region of the protein. Computational prediction algorithms indicate this variant is likely to affect gene or protein function. Given the available evidence, this variant is classified as Likely Pathogenic.

Fulgent Genetics
Classification: Likely pathogenic for Hematuria, benign familial, 1; Autosomal recessive Alport syndrome. Last evaluated: 2024-04-26. Review status: criteria provided, single submitter. Criteria: ACMG Guidelines, 2015. Collection method: clinical testing. Allele origin: germline.

Labcorp Genetics (formerly Invitae), Labcorp
Classification: Pathogenic. Last evaluated: 2022-12-20. Review status: criteria provided, single submitter. Criteria: Invitae Variant Classification Sherloc (09022015). Collection method: clinical testing. Allele origin: germline.
Comment: This variant disrupts the p.Gly677 amino acid residue in COL4A4. Other variant(s) that disrupt this residue have been determined to be pathogenic (PMID: 33159707). This suggests that this residue is clinically significant, and that variants that disrupt this residue are likely to be disease-causing. Advanced modeling of protein sequence and biophysical properties (such as structural, functional, and spatial information, amino acid conservation, physicochemical variation, residue mobility, and thermodynamic stability) performed at Invitae indicates that this missense variant is expected to disrupt COL4A4 protein function. ClinVar contains an entry for this variant (Variation ID: 1456812). This missense change has been observed in individual(s) with clinical features of Alport syndrome (Invitae). It has also been observed to segregate with disease in related individuals. This variant is not present in population databases (gnomAD no frequency). This sequence change replaces glycine, which is neutral and non-polar, with serine, which is neutral and polar, at codon 677 of the COL4A4 protein (p.Gly677Ser). For these reasons, this variant has been classified as Pathogenic.

Literature cited by the submitters: PubMed 33159707 (cited by Labcorp Genetics (formerly Invitae), Labcorp).